The following is an entry in ClinVar:

ClinVar aggregate classification (germline): Benign/Likely benign. Review status: criteria provided, multiple submitters, no conflicts (2 of 4 stars). 10 submissions from 10 submitters: Benign (8); Likely benign (1). 1 of the submissions does not count toward it. Last evaluated 2026-02-04.

Conditions:
Methylmalonic aciduria, cblA type (MACA). Also called: Methylmalonic aciduria, vitamin b12-responsive, due to defect in synthesis of adenosylcobalamin, cbla complementation type; MMA cbl A type; Methylmalonic acidemia cblA type; Methylmalonic aciduria, vitamin B12-responsive; Vitamin B12-responsive methylmalonic acidemia type cblA. Identifiers: Orphanet 28, Orphanet 79310, MedGen C1855109, MONDO:0009613, OMIM 251100.

Allele frequency attached by ClinVar (database versions not stated): gnomAD 0.04892 and 0.05320; ESP Exome Variant Server 0.05098; gnomAD exomes 0.05692 and 0.06425; 1000 Genomes Project 0.08087; TOPMed 0.04882; ExAC 0.06524; 1000 Genomes Project 30x 0.07870.
gnomAD v4.1: 90,997 of 1,614,116 alleles (5.6%); highest among the groups gnomAD compares: South Asian, 13%; 3,166 homozygotes.

Submissions (10):

Labcorp Genetics (formerly Invitae), Labcorp
Classification: Benign for Methylmalonic aciduria, cblA type. Last evaluated: 2026-02-04. Review status: criteria provided, single submitter. Criteria: Invitae Variant Classification Sherloc (09022015). Collection method: clinical testing. Allele origin: germline.

Mayo Clinic Laboratories, Mayo Clinic
Classification: Likely benign. Last evaluated: 2025-07-14. Review status: criteria provided, single submitter. Criteria: ACMG Guidelines, 2015. Collection method: clinical testing. Allele origin: germline. Observed: 12 variant alleles.
Comment: BA1, BS2, BP4

ARUP Laboratories, Molecular Genetics and Genomics, ARUP Laboratories
Classification: Benign for Methylmalonic aciduria, cblA type. Last evaluated: 2025-05-01. Review status: criteria provided, single submitter. Criteria: ARUP Molecular Germline Variant Investigation Process 2024. Collection method: clinical testing. Allele origin: germline.

Pars Genome Lab
Classification: Benign for Methylmalonic aciduria, cblA type. Last evaluated: 2021-06-15. Review status: criteria provided, single submitter. Criteria: ACMG Guidelines, 2015. Collection method: clinical testing. Allele origin: germline. Affected: no.

Illumina Laboratory Services, Illumina
Classification: Benign for Methylmalonic aciduria, cblA type. Last evaluated: 2018-01-12. Review status: criteria provided, single submitter. Criteria: ICSL Variant Classification Criteria 13 December 2019. Collection method: clinical testing. Allele origin: germline.
Comment: This variant was observed in the ICSL laboratory as part of a predisposition screen in an ostensibly healthy population. It had not been previously curated by ICSL or reported in the Human Gene Mutation Database (HGMD: prior to June 1st, 2018), and was therefore a candidate for classification through an automated scoring system. Utilizing variant allele frequency, disease prevalence and penetrance estimates, and inheritance mode, an automated score was calculated to assess if this variant is too frequent to cause the disease. Based on the score and internal cut-off values, a variant classified as benign is not then subjected to further curation. The score for this variant resulted in a classification of benign for this disease.

GeneDx
Classification: Benign. Last evaluated: 2013-08-26. Review status: criteria provided, single submitter. Criteria: GeneDx Variant Classification (06012015). Collection method: clinical testing. Allele origin: germline. Affected: yes.
Comment: This variant is considered likely benign or benign based on one or more of the following criteria: it is a conservative change, it occurs at a poorly conserved position in the protein, it is predicted to be benign by multiple in silico algorithms, and/or has population frequency not consistent with disease.

Eurofins Ntd Llc (ga)
Classification: Benign. Last evaluated: 2013-06-20. Review status: criteria provided, single submitter. Criteria: EGL Classification Definitions 2015. Collection method: clinical testing. Allele origin: germline. Observed: 7 variant alleles, 7 heterozygotes.

Breakthrough Genomics
Classification: Benign. Review status: criteria provided, single submitter. Criteria: ACMG Guidelines, 2015. Collection method: not provided. Allele origin: germline. Inheritance: Autosomal recessive inheritance. Affected: yes.

PreventionGenetics, part of Exact Sciences
Classification: Benign. Review status: criteria provided, single submitter. Criteria: ACMG Guidelines, 2015. Collection method: clinical testing. Allele origin: germline.

Natera, Inc.
Classification: Benign for Methylmalonic aciduria cblA type. Last evaluated: 2020-09-16. Review status: no assertion criteria provided. Collection method: clinical testing. Allele origin: germline. Not counted in ClinVar's aggregate classification.

NM_172250.3(MMAA):c.1089G>C (p.Gln363His)

Gene: MMAA (metabolism of cobalamin associated A; plus strand). Cytogenetic location: 4q31.21.
Variant type: single nucleotide variant.
Coding change: c.1089G>C on transcript NM_172250.3 (MANE Select); coding-DNA position 1089, G replaced by C.
Protein change: p.Gln363His; replaces glutamine 363 with histidine.
Molecular consequence: missense variant.
Genome position (GRCh38, 1-based): chr4:145,655,266, G>C. VCF-style: chr4-145655266-G-C. GRCh37 (hg19) VCF-style: chr4-146576418-G-C.
Other names: p.Q363H:CAG>CAC; short protein forms Q363H.
Identifiers: ClinVar variation 96533 (VCV000096533.30), dbSNP rs2270655, ClinGen allele CA285802.